The following is an entry in ClinVar:

NM_003924.4(PHOX2B):c.790G>T (p.Ala264Ser)

Gene: PHOX2B (paired like homeobox 2B; minus strand). Cytogenetic location: 4p13.
Variant type: single nucleotide variant.
Coding change: c.790G>T on transcript NM_003924.4 (MANE Select); coding-DNA position 790, G replaced by T.
Protein change: p.Ala264Ser; replaces alanine 264 with serine.
Molecular consequence: missense variant.
Genome position (GRCh38, 1-based): chr4:41,745,962, C>A on the plus strand (G>T on the coding strand, the complement: PHOX2B is on the minus strand). VCF-style: chr4-41745962-C-A. GRCh37 (hg19) VCF-style: chr4-41747979-C-A.
Other names: short protein forms A264S.
Identifiers: ClinVar variation 467747 (VCV000467747.14), dbSNP rs1320695099, ClinGen allele CA356737133.

ClinVar aggregate classification (germline): Uncertain significance. Review status: criteria provided, multiple submitters, no conflicts (2 of 4 stars). 2 submissions from 2 submitters: Uncertain significance (2). Last evaluated 2025-01-31.

Conditions:
Haddad syndrome (OHD). Also called: Ondine-Hirschsprung disease. Identifiers: Orphanet 99803, MedGen C1859049, MONDO:0020493.
Hereditary cancer-predisposing syndrome. Also called: Neoplastic Syndromes, Hereditary; Tumor predisposition; Hereditary Cancer Syndrome; Hereditary neoplastic syndrome. Identifiers: Orphanet 140162, MedGen C0027672, MeSH D009386, MONDO:0015356.

Allele frequency attached by ClinVar (database versions not stated): gnomAD exomes below 0.00001; gnomAD 0.00001; TOPMed 0.00001.

Submissions (2):

Ambry Genetics
Classification: Uncertain significance for Hereditary cancer-predisposing syndrome. Last evaluated: 2025-01-31. Review status: criteria provided, single submitter. Criteria: Ambry Variant Classification Scheme 2023. Collection method: clinical testing. Allele origin: germline.
Comment: The p.A264S variant (also known as c.790G>T), located in coding exon 3 of the PHOX2B gene, results from a G to T substitution at nucleotide position 790. The alanine at codon 264 is replaced by serine, an amino acid with similar properties. This amino acid position is well conserved in available vertebrate species. In addition, this alteration is predicted to be tolerated by in silico analysis. Since supporting evidence is limited at this time, the clinical significance of this alteration remains unclear.

Labcorp Genetics (formerly Invitae), Labcorp
Classification: Uncertain significance for Haddad syndrome. Last evaluated: 2023-11-06. Review status: criteria provided, single submitter. Criteria: Invitae Variant Classification Sherloc (09022015). Collection method: clinical testing. Allele origin: germline.
Comment: This sequence change replaces alanine, which is neutral and non-polar, with serine, which is neutral and polar, at codon 264 of the PHOX2B protein (p.Ala264Ser). This variant is not present in population databases (gnomAD no frequency). This variant has not been reported in the literature in individuals affected with PHOX2B-related conditions. ClinVar contains an entry for this variant (Variation ID: 467747). Experimental studies and prediction algorithms are not available or were not evaluated, and the functional significance of this variant is currently unknown. In summary, the available evidence is currently insufficient to determine the role of this variant in disease. Therefore, it has been classified as a Variant of Uncertain Significance.